The following is an entry in ClinVar:

ClinVar aggregate classification (germline): Uncertain significance. Review status: criteria provided, multiple submitters, no conflicts (2 of 4 stars). 2 submissions from 2 submitters: Uncertain significance (2). Last evaluated 2024-03-13.

Conditions:
Myofibrillar myopathy 6. Identifiers: Orphanet 199340, MedGen C2751831, MONDO:0013061, OMIM 612954.
Dilated cardiomyopathy 1HH (CMD1HH). Identifiers: Orphanet 154, MedGen C3151293, MONDO:0013479, OMIM 613881.

Submissions (2):

GeneDx
Classification: Uncertain significance. Last evaluated: 2024-03-13. Review status: criteria provided, single submitter. Criteria: GeneDx Variant Classification Process June 2021. Collection method: clinical testing. Allele origin: germline. Affected: yes.
Comment: Not observed at significant frequency in large population cohorts (gnomAD); In silico analysis supports that this missense variant does not alter protein structure/function; Has not been previously published as pathogenic or benign to our knowledge; This variant is associated with the following publications: (PMID: 20001957)

Labcorp Genetics (formerly Invitae), Labcorp
Classification: Uncertain significance for Dilated cardiomyopathy 1HH; Myofibrillar myopathy 6. Last evaluated: 2023-07-24. Review status: criteria provided, single submitter. Criteria: Invitae Variant Classification Sherloc (09022015). Collection method: clinical testing. Allele origin: germline.
Comment: This variant is not present in population databases (gnomAD no frequency). This variant has not been reported in the literature in individuals affected with BAG3-related conditions. Advanced modeling of protein sequence and biophysical properties (such as structural, functional, and spatial information, amino acid conservation, physicochemical variation, residue mobility, and thermodynamic stability) performed at Invitae indicates that this missense variant is not expected to disrupt BAG3 protein function. In summary, the available evidence is currently insufficient to determine the role of this variant in disease. Therefore, it has been classified as a Variant of Uncertain Significance. This sequence change replaces glutamine, which is neutral and polar, with glutamic acid, which is acidic and polar, at codon 88 of the BAG3 protein (p.Gln88Glu).

NM_004281.4(BAG3):c.262C>G (p.Gln88Glu)

Gene: BAG3 (BAG cochaperone 3; plus strand). Cytogenetic location: 10q26.11.
Variant type: single nucleotide variant.
Coding change: c.262C>G on transcript NM_004281.4 (MANE Select); coding-DNA position 262, C replaced by G.
Protein change: p.Gln88Glu; replaces glutamine 88 with glutamic acid.
Molecular consequence: missense variant.
Genome position (GRCh38, 1-based): chr10:119,669,932, C>G. VCF-style: chr10-119669932-C-G. GRCh37 (hg19) VCF-style: chr10-121429444-C-G.
Other names: short protein forms Q88E.
Identifiers: ClinVar variation 2928125 (VCV002928125.4), dbSNP rs1554877001, ClinGen allele CA378294748.